The following is an entry in ClinVar:

ClinVar aggregate classification (germline): Uncertain significance (1 of 4 stars; one submission).

Conditions:
Mitochondrial complex II deficiency, nuclear type 1. Also called: SUCCINATE CoQ REDUCTASE DEFICIENCY. Identifiers: Orphanet 3208, MedGen C5700310, MONDO:0100294, OMIM 252011.
Pheochromocytoma/paraganglioma syndrome 5. Also called: Paragangliomas 5; SDHA-Related Hereditary Paraganglioma-Pheochromocytoma Syndrome. Identifiers: Orphanet 29072, MedGen C3279992, MONDO:0013602, OMIM 614165.

Submission:

Labcorp Genetics (formerly Invitae), Labcorp
Classification: Uncertain significance for Pheochromocytoma/paraganglioma syndrome 5; Mitochondrial complex II deficiency, nuclear type 1. Last evaluated: 2023-05-25. Review status: criteria provided, single submitter. Criteria: Invitae Variant Classification Sherloc (09022015). Collection method: clinical testing. Allele origin: germline.
Comment: This variant, c.1789_1791del, results in the deletion of 1 amino acid(s) of the SDHA protein (p.Tyr597del), but otherwise preserves the integrity of the reading frame. This variant is not present in population databases (gnomAD no frequency). This variant has not been reported in the literature in individuals affected with SDHA-related conditions. Experimental studies and prediction algorithms are not available or were not evaluated, and the functional significance of this variant is currently unknown. In summary, the available evidence is currently insufficient to determine the role of this variant in disease. Therefore, it has been classified as a Variant of Uncertain Significance.

NM_004168.4(SDHA):c.1789_1791del (p.Tyr597del)

Gene: SDHA (succinate dehydrogenase complex flavoprotein subunit A; plus strand). Cytogenetic location: 5p15.33.
Variant type: Deletion.
Coding change: c.1789_1791del on transcript NM_004168.4 (MANE Select); coding-DNA positions 1789 to 1791, 3 bases deleted (TAC; older notation c.1789_1791delTAC).
Protein change: p.Tyr597del; deletes tyrosine 597.
Molecular consequence: inframe deletion. On other transcripts: intron variant (1).
Genome position (GRCh38, 1-based): chr5:251,463-251,465, TAC deleted; deleting any 3 consecutive bases within chr5:251,461-251,465 gives the same sequence; the c. name uses the placement nearest the transcript's 3' end. VCF-style (leftmost placement, unchanged base first): chr5-251460-GACT-G. GRCh37 (hg19) VCF-style: chr5-251575-GACT-G.
Other names: c.1645_1647del, p.Tyr549del (NM_001294332.2); c.1552-2930_1552-2928del (NM_001330758.2); short protein forms Y597del, Y549del.
Identifiers: ClinVar variation 2948211 (VCV002948211.3), dbSNP rs2477459294, ClinGen allele CA2740091639.